The following is an entry in ClinVar:

NM_005188.4(CBL):c.1768T>C (p.Trp590Arg)

Gene: CBL (Cbl proto-oncogene; plus strand). Cytogenetic location: 11q23.3.
Variant type: single nucleotide variant.
Coding change: c.1768T>C on transcript NM_005188.4 (MANE Select); coding-DNA position 1768, T replaced by C.
Protein change: p.Trp590Arg; replaces tryptophan 590 with arginine.
Molecular consequence: missense variant.
Genome position (GRCh38, 1-based): chr11:119,285,393, T>C. VCF-style: chr11-119285393-T-C. GRCh37 (hg19) VCF-style: chr11-119156103-T-C.
Other names: short protein forms W590R.
Identifiers: ClinVar variation 4800620 (VCV004800620.1).
Genomic context (GRCh38, chr11:119,285,393, plus strand): 5'-GGCGACTGTCCCTCCAGAGACAAACTGCCCCCTGTCCCCTCTAGCCGCCTTGGAGACTCA[T>C]GGCTGCCCCGGCCAATCCCCAAAGTACCAGTATCTGCCCCAAGTTCCAGTGATCCCTGGA-3'
Protein context (NP_005179.2, residues 580-600): PVPSSRLGDS[Trp590Arg]LPRPIPKVPV

ClinVar aggregate classification (germline): Uncertain significance (1 of 4 stars; one submission).

Conditions:
RASopathy. Also called: rasopathies; Noonan spectrum disorder. Identifiers: Orphanet 536391, MedGen C5555857, MONDO:0021060.

Submission:

Labcorp Genetics (formerly Invitae), Labcorp
Classification: Uncertain significance for RASopathy. Last evaluated: 2025-08-03. Review status: criteria provided, single submitter. Criteria: Invitae Variant Classification Sherloc (09022015). Collection method: clinical testing. Allele origin: germline.
Comment: This sequence change replaces tryptophan, which is neutral and slightly polar, with arginine, which is basic and polar, at codon 590 of the CBL protein (p.Trp590Arg). This variant is not present in population databases (gnomAD no frequency). This variant has not been reported in the literature in individuals affected with CBL-related conditions. Invitae Evidence Modeling of protein sequence and biophysical properties (such as structural, functional, and spatial information, amino acid conservation, physicochemical variation, residue mobility, and thermodynamic stability) indicates that this missense variant is not expected to disrupt CBL protein function with a negative predictive value of 95%. In summary, the available evidence is currently insufficient to determine the role of this variant in disease. Therefore, it has been classified as a Variant of Uncertain Significance.